The following is an entry in ClinVar:

NM_006236.3(POU3F3):c.791C>A (p.Thr264Lys)

Gene: POU3F3 (POU class 3 homeobox 3; plus strand). Cytogenetic location: 2q12.1.
Variant type: single nucleotide variant.
Coding change: c.791C>A on transcript NM_006236.3 (MANE Select); coding-DNA position 791, C replaced by A.
Protein change: p.Thr264Lys; replaces threonine 264 with lysine.
Molecular consequence: missense variant.
Genome position (GRCh38, 1-based): chr2:104,856,301, C>A. VCF-style: chr2-104856301-C-A. GRCh37 (hg19) VCF-style: chr2-105472759-C-A.
Other names: short protein forms T264K.
Identifiers: ClinVar variation 1695538 (VCV001695538.2), dbSNP rs2104340729, ClinGen allele CA348097505.

ClinVar aggregate classification (germline): Uncertain significance (1 of 4 stars; one submission).

Submission:

GeneDx
Classification: Uncertain significance. Last evaluated: 2022-01-10. Review status: criteria provided, single submitter. Criteria: GeneDx Variant Classification Process June 2021. Collection method: clinical testing. Allele origin: germline. Affected: yes.
Comment: Not observed at significant frequency in large population cohorts (gnomAD); In silico analysis supports that this missense variant does not alter protein structure/function; Has not been previously published as pathogenic or benign to our knowledge